The following is an entry in ClinVar:

ClinVar aggregate classification (germline): Likely benign. Review status: criteria provided, multiple submitters, no conflicts (2 of 4 stars). 2 submissions from 2 submitters: Likely benign (2). Last evaluated 2025-08-04.

Conditions:
RFT1-congenital disorder of glycosylation (CDG1N). Also called: CDG In; RFT1-CDG; Congenital disorder of glycosylation type In. Identifiers: Orphanet 244310, MedGen C2677590, MONDO:0012783, OMIM 612015.

Allele frequency attached by ClinVar (database versions not stated): gnomAD 0.00006; ESP Exome Variant Server 0.00008; gnomAD exomes 0.00008; TOPMed 0.00011; ExAC 0.00014.
gnomAD v4.1: 176 of 1,590,982 alleles (0.011%); highest among the groups gnomAD compares: Non-Finnish European, 0.015%; no homozygotes.

Submissions (2):

Labcorp Genetics (formerly Invitae), Labcorp
Classification: Likely benign for RFT1-congenital disorder of glycosylation. Last evaluated: 2025-08-04. Review status: criteria provided, single submitter. Criteria: Invitae Variant Classification Sherloc (09022015). Collection method: clinical testing. Allele origin: germline.

GeneDx
Classification: Likely benign. Last evaluated: 2016-05-24. Review status: criteria provided, single submitter. Criteria: GeneDx Variant Classification (06012015). Collection method: clinical testing. Allele origin: germline. Affected: yes.
Comment: This variant is considered likely benign or benign based on one or more of the following criteria: it is a conservative change, it occurs at a poorly conserved position in the protein, it is predicted to be benign by multiple in silico algorithms, and/or has population frequency not consistent with disease.

NM_052859.4(RFT1):c.1458+18A>T

Gene: RFT1 (RFT1 glycolipid translocator homolog; minus strand). Cytogenetic location: 3p21.1.
Variant type: single nucleotide variant.
Coding change: c.1458+18A>T on transcript NM_052859.4 (MANE Select); 18 bases into the intron after coding-DNA position 1458, A replaced by T.
Molecular consequence: intron variant.
Genome position (GRCh38, 1-based): chr3:53,092,351, T>A on the plus strand (A>T on the coding strand, the complement: RFT1 is on the minus strand). VCF-style: chr3-53092351-T-A. GRCh37 (hg19) VCF-style: chr3-53126367-T-A.
Identifiers: ClinVar variation 386047 (VCV000386047.8), dbSNP rs373019694, ClinGen allele CA2451148.